The following is an entry in ClinVar:

ClinVar aggregate classification (germline): Uncertain significance (1 of 4 stars; one submission).

Conditions:
Hereditary cancer-predisposing syndrome. Also called: Neoplastic Syndromes, Hereditary; Tumor predisposition; Hereditary neoplastic syndrome; Hereditary Cancer Syndrome. Identifiers: Orphanet 140162, MedGen C0027672, MeSH D009386, MONDO:0015356.

Submission:

Ambry Genetics
Classification: Uncertain significance for Hereditary cancer-predisposing syndrome. Last evaluated: 2026-08-22. Review status: criteria provided, single submitter. Criteria: Ambry Variant Classification Scheme 2023. Collection method: clinical testing. Allele origin: germline.
Comment: The p.Q113P variant (also known as c.338A>C), located in coding exon 2 of the BLM gene, results from an A to C substitution at nucleotide position 338. The glutamine at codon 113 is replaced by proline, an amino acid with similar properties. This amino acid position is conserved. In addition, this alteration is predicted to be tolerated by in silico analysis. Based on the available evidence, the clinical significance of this variant remains unclear.

NM_000057.4(BLM):c.338A>C (p.Gln113Pro)

Gene: BLM (BLM RecQ like helicase; plus strand). Cytogenetic location: 15q26.1.
Variant type: single nucleotide variant.
Coding change: c.338A>C on transcript NM_000057.4 (MANE Select); coding-DNA position 338, A replaced by C.
Protein change: p.Gln113Pro; replaces glutamine 113 with proline.
Molecular consequence: missense variant. On other transcripts: 5 prime UTR variant (1).
Genome position (GRCh38, 1-based): chr15:90,749,606, A>C. VCF-style: chr15-90749606-A-C. GRCh37 (hg19) VCF-style: chr15-91292836-A-C.
Other names: c.338A>C, p.Gln113Pro (NM_001287246.2, NM_001287247.2); c.-954A>C (NM_001287248.2); short protein forms Q113P.
Identifiers: ClinVar variation 5032928 (VCV005032928.1).